The following is an entry in ClinVar:

ClinVar aggregate classification (germline): Pathogenic (1 of 4 stars; one submission).

Submission:

Labcorp Genetics (formerly Invitae), Labcorp
Classification: Pathogenic. Last evaluated: 2023-11-01. Review status: criteria provided, single submitter. Criteria: Invitae Variant Classification Sherloc (09022015). Collection method: clinical testing. Allele origin: germline.
Comment: This sequence change creates a premature translational stop signal (p.Ile89Leufs*5) in the PHEX gene. It is expected to result in an absent or disrupted protein product. Loss-of-function variants in PHEX are known to be pathogenic (PMID: 9097956, 9106524, 19219621). This variant is not present in population databases (gnomAD no frequency). This variant has not been reported in the literature in individuals affected with PHEX-related conditions. For these reasons, this variant has been classified as Pathogenic.

Literature cited by the submitters: PubMed 9097956; PubMed 9106524; PubMed 19219621.

NM_000444.6(PHEX):c.261_264dup (p.Ile89fs)

Gene: PHEX (phosphate regulating endopeptidase X-linked; plus strand). Cytogenetic location: Xp22.11.
Variant type: Duplication.
Coding change: c.261_264dup on transcript NM_000444.6 (MANE Select); coding-DNA positions 261 to 264, 4 bases duplicated (CTGG; older notation c.261_264dupCTGG).
Protein change: p.Ile89fs; shifts the reading frame from isoleucine 89.
Molecular consequence: frameshift variant.
Genome position (GRCh38, 1-based): chrX:22,047,123-22,047,126, CTGG duplicated; duplicating any 4 consecutive bases within chrX:22,047,120-22,047,126 gives the same sequence; the c. name uses the placement nearest the transcript's 3' end. VCF-style (leftmost placement, unchanged base first): chrX-22047119-A-ATGGC. GRCh37 (hg19) VCF-style: chrX-22065237-A-ATGGC.
Other names: c.261_264dup, p.Ile89fs (NM_001282754.2); short protein forms I89fs.
Identifiers: ClinVar variation 2773233 (VCV002773233.3), dbSNP rs2519722379, ClinGen allele CA2697552892.